The following is an entry in ClinVar:

ClinVar aggregate classification (germline): Uncertain significance (1 of 4 stars; one submission).

Conditions:
COG5-congenital disorder of glycosylation. Also called: CDG IIi; COG5-CDG; CONGENITAL DISORDER OF GLYCOSYLATION, TYPE IIi. Identifiers: Orphanet 263487, MedGen C3150876, MONDO:0013325, OMIM 613612.

Allele frequency attached by ClinVar (database versions not stated): gnomAD 0.00001.
gnomAD v4.1: 1 of 1,613,050 alleles (0.000062%); highest among the groups gnomAD compares: South Asian, 0.0011%; no homozygotes.

Submission:

Labcorp Genetics (formerly Invitae), Labcorp
Classification: Uncertain significance for COG5-congenital disorder of glycosylation. Last evaluated: 2024-04-22. Review status: criteria provided, single submitter. Criteria: Invitae Variant Classification Sherloc (09022015). Collection method: clinical testing. Allele origin: germline.
Comment: This sequence change replaces serine, which is neutral and polar, with cysteine, which is neutral and slightly polar, at codon 315 of the COG5 protein (p.Ser315Cys). This variant is not present in population databases (gnomAD no frequency). This missense change has been observed in individual(s) with congenital disorder of glycosylation (PMID: 33187827). An algorithm developed to predict the effect of missense changes on protein structure and function (PolyPhen-2) suggests that this variant is likely to be disruptive. In summary, the available evidence is currently insufficient to determine the role of this variant in disease. Therefore, it has been classified as a Variant of Uncertain Significance.

Literature cited by the submitters: PubMed 33187827.

NM_006348.5(COG5):c.851C>G (p.Ser284Cys)

Gene: COG5 (component of oligomeric golgi complex 5; minus strand). Cytogenetic location: 7q22.3.
Variant type: single nucleotide variant.
Coding change: c.851C>G on transcript NM_006348.5 (MANE Select); coding-DNA position 851, C replaced by G.
Protein change: p.Ser284Cys; replaces serine 284 with cysteine.
Molecular consequence: missense variant. On other transcripts: intron variant (2).
Genome position (GRCh38, 1-based): chr7:107,362,405, G>C on the plus strand (C>G on the coding strand, the complement: COG5 is on the minus strand). VCF-style: chr7-107362405-G-C. GRCh37 (hg19) VCF-style: chr7-107002850-G-C.
Other names: c.851C>G, p.Ser284Cys (NM_001161520.2, NM_001379511.1, NM_001379512.1 and 3 more transcripts); c.235-295C>G (NM_001379516.1); c.539-64059C>G (NM_001379515.1); short protein forms S284C.
Identifiers: ClinVar variation 2851796 (VCV002851796.3), dbSNP rs1813203108, ClinGen allele CA368940246.
Genomic context (GRCh38, chr7:107,362,405, plus strand): 5'-TCCATATTGGTCCAGAATGAGGCACGCAAAGCTGCAGTATTTCCTGGGGTTGGCATGGTA[G>C]ATCGTCCAGGTCCCCCTGGTTATGAGTGAGAAAGAACAATGAAAAATAAAGTTTTCCAAA-3'
Protein context (NP_006339.4, residues 274-294): QSAVRGGPGR[Ser284Cys]TMPTPGNTAA